The following is an entry in ClinVar:

NM_001077653.2(TBX20):c.1204A>G (p.Ile402Val)

Gene: TBX20 (T-box transcription factor 20; minus strand). Cytogenetic location: 7p14.2.
Variant type: single nucleotide variant.
Coding change: c.1204A>G on transcript NM_001077653.2 (MANE Select); coding-DNA position 1204, A replaced by G.
Protein change: p.Ile402Val; replaces isoleucine 402 with valine.
Molecular consequence: missense variant.
Genome position (GRCh38, 1-based): chr7:35,202,570, T>C on the plus strand (A>G on the coding strand, the complement: TBX20 is on the minus strand). VCF-style: chr7-35202570-T-C. GRCh37 (hg19) VCF-style: chr7-35242182-T-C.
Other names: short protein forms I402V.
Identifiers: ClinVar variation 1918489 (VCV001918489.5), dbSNP rs368803336, ClinGen allele CA4217336.
Genomic context (GRCh38, chr7:35,202,570, plus strand): 5'-GGTATCGCGGCATGTGGAATGAAGGGAATGTGGGGCCACTCCCTTGCATGGAGCTGGCAA[T>C]GGCCGATGGTGTCAGAGGCATTCCCAGTCGGCTATATGGTGGCAGAGAACCCTGGATGGG-3'
Protein context (NP_001071121.1, residues 392-412): RLGMPLTPSA[Ile402Val]ASSMQGSGPT

ClinVar aggregate classification (germline): Uncertain significance (1 of 4 stars; one submission).

Allele frequency attached by ClinVar (database versions not stated): gnomAD exomes below 0.00001; TOPMed below 0.00001; ESP Exome Variant Server 0.00008; ExAC 0.00001; gnomAD 0.00001.
gnomAD v4.1: 4 of 1,613,980 alleles (0.00025%); highest among the groups gnomAD compares: African/African-American, 0.0053%; no homozygotes.

Submission:

Labcorp Genetics (formerly Invitae), Labcorp
Classification: Uncertain significance. Last evaluated: 2022-10-09. Review status: criteria provided, single submitter. Criteria: Invitae Variant Classification Sherloc (09022015). Collection method: clinical testing. Allele origin: germline.
Comment: This sequence change replaces isoleucine, which is neutral and non-polar, with valine, which is neutral and non-polar, at codon 402 of the TBX20 protein (p.Ile402Val). This variant is present in population databases (rs368803336, gnomAD 0.007%). This variant has not been reported in the literature in individuals affected with TBX20-related conditions. Algorithms developed to predict the effect of missense changes on protein structure and function (SIFT, PolyPhen-2, Align-GVGD) all suggest that this variant is likely to be tolerated. In summary, the available evidence is currently insufficient to determine the role of this variant in disease. Therefore, it has been classified as a Variant of Uncertain Significance.